The following is an entry in ClinVar:

NM_022817.3(PER2):c.2846T>A (p.Phe949Tyr)

Gene: PER2 (period circadian regulator 2; minus strand). Cytogenetic location: 2q37.3.
Variant type: single nucleotide variant.
Coding change: c.2846T>A on transcript NM_022817.3 (MANE Select); coding-DNA position 2846, T replaced by A.
Protein change: p.Phe949Tyr; replaces phenylalanine 949 with tyrosine.
Molecular consequence: missense variant.
Genome position (GRCh38, 1-based): chr2:238,253,177, A>T on the plus strand (T>A on the coding strand, the complement: PER2 is on the minus strand). VCF-style: chr2-238253177-A-T. GRCh37 (hg19) VCF-style: chr2-239161818-A-T.
Other names: short protein forms F949Y.
Identifiers: ClinVar variation 3038758 (VCV003038758.2), dbSNP rs35998480, ClinGen allele CA2196987.
Genomic context (GRCh38, chr2:238,253,177, plus strand): 5'-GGGGTGGCCCGGGTGGCTGGACAAGCACATGGCTGTCTGGGGATCGAGGTCCGGCTGGGG[A>T]ACTCAGGCTGTGAGGCAGAGGCCATCTCGGATGTGAGTGTGGGGTGGCTCGGAAACTGAG-3'
Protein context (NP_073728.1, residues 939-959): SEMASASQPE[Phe949Tyr]PSRTSIPRQP

ClinVar aggregate classification (germline): Likely benign (0 of 4 stars; one submission).

Conditions:
PER2-related disorder. Also called: PER2-related condition.

Allele frequency attached by ClinVar (database versions not stated): gnomAD exomes 0.00011; ExAC 0.00033; gnomAD 0.00102; ESP Exome Variant Server 0.00115; TOPMed 0.00123.
gnomAD v4.1: 312 of 1,593,586 alleles (0.02%); highest among the groups gnomAD compares: African/African-American, 0.36%; no homozygotes.

Submission:

PreventionGenetics, part of Exact Sciences
Classification: Likely benign for PER2-related condition. Last evaluated: 2019-05-25. Review status: no assertion criteria provided. Collection method: clinical testing. Allele origin: germline.
Comment: This variant is classified as likely benign based on ACMG/AMP sequence variant interpretation guidelines (Richards et al. 2015 PMID: 25741868, with internal and published modifications).